The following is an entry in ClinVar:

ClinVar aggregate classification (germline): Uncertain significance. Review status: criteria provided, multiple submitters, no conflicts (2 of 4 stars). 2 submissions from 2 submitters: Uncertain significance (2). Last evaluated 2026-01-25.

Conditions:
Bethlem myopathy 1A. Also called: MYOPATHY, BENIGN CONGENITAL, WITH CONTRACTURES; Bethlem myopathy 1; Bethlem Muscular Dystrophy. Identifiers: Orphanet 610, MedGen CN029274, MONDO:0024530, OMIM 158810.

Allele frequency attached by ClinVar (database versions not stated): gnomAD 0.00001; ExAC 0.00002; gnomAD exomes 0.00002; TOPMed 0.00002.
gnomAD v4.1: 22 of 1,614,088 alleles (0.0014%); highest among the groups gnomAD compares: South Asian, 0.0055%; no homozygotes.

Submissions (2):

Labcorp Genetics (formerly Invitae), Labcorp
Classification: Uncertain significance for Bethlem myopathy 1A. Last evaluated: 2026-01-25. Review status: criteria provided, single submitter. Criteria: Invitae Variant Classification Sherloc (09022015). Collection method: clinical testing. Allele origin: germline.
Comment: This sequence change replaces serine, which is neutral and polar, with leucine, which is neutral and non-polar, at codon 1895 of the COL6A3 protein (p.Ser1895Leu). This variant is present in population databases (rs760532694, gnomAD 0.007%). This variant has not been reported in the literature in individuals affected with COL6A3-related conditions. ClinVar contains an entry for this variant (Variation ID: 194056). Invitae Evidence Modeling of protein sequence and biophysical properties (such as structural, functional, and spatial information, amino acid conservation, physicochemical variation, residue mobility, and thermodynamic stability) indicates that this missense variant is not expected to disrupt COL6A3 protein function with a negative predictive value of 80%. In summary, the available evidence is currently insufficient to determine the role of this variant in disease. Therefore, it has been classified as a Variant of Uncertain Significance.

Eurofins Ntd Llc (ga)
Classification: Uncertain significance. Last evaluated: 2014-10-09. Review status: criteria provided, single submitter. Criteria: EGL Classification Definitions 2015. Collection method: clinical testing. Allele origin: germline. Observed: 1 variant allele, 1 heterozygote.

NM_004369.4(COL6A3):c.5684C>T (p.Ser1895Leu)

Gene: COL6A3 (collagen type VI alpha 3 chain; minus strand). Cytogenetic location: 2q37.3.
Variant type: single nucleotide variant.
Coding change: c.5684C>T on transcript NM_004369.4 (MANE Select); coding-DNA position 5684, C replaced by T.
Protein change: p.Ser1895Leu; replaces serine 1895 with leucine.
Molecular consequence: missense variant.
Genome position (GRCh38, 1-based): chr2:237,365,852, G>A on the plus strand (C>T on the coding strand, the complement: COL6A3 is on the minus strand). VCF-style: chr2-237365852-G-A. GRCh37 (hg19) VCF-style: chr2-238274495-G-A.
Other names: c.3863C>T, p.Ser1288Leu (NM_057166.5); c.5066C>T, p.Ser1689Leu (NM_057167.4); short protein forms S1895L, S1689L, S1288L.
Identifiers: ClinVar variation 194056 (VCV000194056.10), dbSNP rs760532694, ClinGen allele CA239851.